The following is an entry in ClinVar:

ClinVar aggregate classification (germline): Benign/Likely benign. Review status: criteria provided, multiple submitters, no conflicts (2 of 4 stars). 11 submissions from 10 submitters: Benign (6); Likely benign (3). 2 of the submissions do not count toward it. Last evaluated 2026-06-17.

Conditions:
Hereditary cancer-predisposing syndrome. Also called: Neoplastic Syndromes, Hereditary; Hereditary neoplastic syndrome; Hereditary Cancer Syndrome; Tumor predisposition. Identifiers: Orphanet 140162, MedGen C0027672, MeSH D009386, MONDO:0015356.
Polyps, multiple and recurrent inflammatory fibroid, gastrointestinal. Identifiers: MedGen C5193005, MONDO:0008285, OMIM 175510.
Idiopathic hypereosinophilic syndrome (HES). Identifiers: Orphanet 3260, MedGen C0206141, MONDO:0011895, OMIM 607685. Disease mechanism: gain of function.
Gastrointestinal stromal tumor. Also called: Gastrointestinal stromal tumor, somatic; Gastrointestinal stroma tumor. Identifiers: Orphanet 44890, MedGen C0238198, MeSH D046152, MONDO:0011719, OMIM 606764, HP:0100723.

Allele frequency attached by ClinVar (database versions not stated): gnomAD 0.00105 and 0.00180; ESP Exome Variant Server 0.00108; TOPMed 0.00117; gnomAD exomes 0.00217 and 0.00348; ExAC 0.00388; 1000 Genomes Project 30x 0.00640; 1000 Genomes Project 0.00659.
gnomAD v4.1: 3,485 of 1,614,090 alleles (0.22%); highest among the groups gnomAD compares: South Asian, 2%; 51 homozygotes.

Submissions (11):

Myriad Genetics, Inc.
Classification: Benign for Polyps, multiple and recurrent inflammatory fibroid, gastrointestinal. Last evaluated: 2026-06-17. Review status: criteria provided, single submitter. Criteria: Myriad Autosomal Dominant, Autosomal Recessive and X-Linked Classification Criteria (2023). Collection method: clinical testing. Allele origin: unknown.
Comment: This variant is considered benign. This variant is a silent/synonymous amino acid change and it is not expected to impact splicing.

Labcorp Genetics (formerly Invitae), Labcorp
Classification: Benign for Gastrointestinal stromal tumor. Last evaluated: 2026-02-04. Review status: criteria provided, single submitter. Criteria: Invitae Variant Classification Sherloc (09022015). Collection method: clinical testing. Allele origin: germline.

ARUP Laboratories, Molecular Genetics and Genomics, ARUP Laboratories
Classification: Benign. Last evaluated: 2025-03-07. Review status: criteria provided, single submitter. Criteria: ARUP Molecular Germline Variant Investigation Process 2024. Collection method: clinical testing. Allele origin: germline.

Mayo Clinic Laboratories, Mayo Clinic
Classification: Likely benign. Last evaluated: 2024-12-22. Review status: criteria provided, single submitter. Criteria: ACMG Guidelines, 2015. Collection method: clinical testing. Allele origin: germline. Observed: 2 variant alleles.
Comment: BS1, BP4, BP7

GeneDx
Classification: Likely benign. Last evaluated: 2020-09-22. Review status: criteria provided, single submitter. Criteria: GeneDx Variant Classification Process June 2021. Collection method: clinical testing. Allele origin: germline. Affected: yes.

Ambry Genetics
Classification: Benign for Hereditary cancer-predisposing syndrome. Last evaluated: 2018-11-30. Review status: criteria provided, single submitter. Criteria: Ambry Variant Classification Scheme 2023. Collection method: clinical testing. Allele origin: germline.

Illumina Laboratory Services, Illumina
Classification: Benign for Gastrointestinal stromal tumor. Last evaluated: 2018-01-13. Review status: criteria provided, single submitter. Criteria: ICSL Variant Classification Criteria 13 December 2019. Collection method: clinical testing. Allele origin: germline.
Comment: This variant was observed in the ICSL laboratory as part of a predisposition screen in an ostensibly healthy population. It had not been previously curated by ICSL or reported in the Human Gene Mutation Database (HGMD: prior to June 1st, 2018), and was therefore a candidate for classification through an automated scoring system. Utilizing variant allele frequency, disease prevalence and penetrance estimates, and inheritance mode, an automated score was calculated to assess if this variant is too frequent to cause the disease. Based on the score and internal cut-off values, a variant classified as benign is not then subjected to further curation. The score for this variant resulted in a classification of benign for this disease.

Illumina Laboratory Services, Illumina
Classification: Benign for Idiopathic hypereosinophilic syndrome. Last evaluated: 2018-01-13. Review status: criteria provided, single submitter. Criteria: ICSL Variant Classification Criteria 13 December 2019. Collection method: clinical testing. Allele origin: germline.
Comment: the same text as in the submission from Illumina Laboratory Services, Illumina above.

Breakthrough Genomics
Classification: Likely benign. Review status: criteria provided, single submitter. Criteria: ACMG Guidelines, 2015. Collection method: not provided. Allele origin: germline. Inheritance: Autosomal dominant inheritance. Affected: yes.

Genetic Services Laboratory, University of Chicago
Classification: Likely benign. Last evaluated: 2022-07-22. Review status: no assertion criteria provided. Collection method: clinical testing. Allele origin: germline. Affected: no. Not counted in ClinVar's aggregate classification.

Department of Pathology and Laboratory Medicine, Sinai Health System
Classification: Uncertain significance. Review status: no assertion criteria provided. Collection method: clinical testing. Allele origin: unknown. Affected: yes. Study: The Canadian Open Genetics Repository (COGR). Not counted in ClinVar's aggregate classification.
Comment: Variant was observed in a homozygous state in population databases more than expected for disease. Allele frequency is greater than expected for the disorder. A synonymous variant not located in a splice region.

NM_006206.6(PDGFRA):c.1731G>A (p.Pro577=)

Gene: PDGFRA (platelet derived growth factor receptor alpha; plus strand). Cytogenetic location: 4q12.
Variant type: single nucleotide variant.
Coding change: c.1731G>A on transcript NM_006206.6 (MANE Select); coding-DNA position 1731, G replaced by A.
Protein change: p.Pro577=; no amino-acid change (proline 577 retained).
Molecular consequence: synonymous variant.
Genome position (GRCh38, 1-based): chr4:54,274,918, G>A. VCF-style: chr4-54274918-G-A. GRCh37 (hg19) VCF-style: chr4-55141085-G-A.
Other names: p.Pro577=; c.1731G>A, p.Pro577= (NM_001347827.2, NM_001347829.2); c.1806G>A, p.Pro602= (NM_001347828.2); c.1770G>A, p.Pro590= (NM_001347830.2); c.1731G>A (NM_006206.5).
Identifiers: ClinVar variation 240315 (VCV000240315.28), dbSNP rs55830582, ClinGen allele CA2922667.